The following is an entry in ClinVar:

NM_181836.6(TMED7):c.487G>C (p.Asp163His)

Genes: TICAM2-AS1 (TICAM2 antisense RNA 1; plus strand), TMED7 (transmembrane p24 trafficking protein 7; minus strand), TMED7-TICAM2 (TMED7-TICAM2 readthrough; minus strand). Cytogenetic location: 5q22.3.
Variant type: single nucleotide variant.
Coding change: c.487G>C on transcript NM_181836.6 (MANE Select); coding-DNA position 487, G replaced by C.
Protein change: p.Asp163His; replaces aspartic acid 163 with histidine.
Molecular consequence: missense variant.
Genome position (GRCh38, 1-based): chr5:115,616,397, C>G on the plus strand (G>C on the coding strand, the complement: TMED7 is on the minus strand). VCF-style: chr5-115616397-C-G. GRCh37 (hg19) VCF-style: chr5-114952094-C-G.
Other names: c.487G>C, p.Asp163His (NM_001164468.4, NM_001164469.4); short protein forms D163H.
Identifiers: ClinVar variation 3662940 (VCV003662940.2).

ClinVar aggregate classification (germline): Uncertain significance (1 of 4 stars; one submission).

Submission:

Labcorp Genetics (formerly Invitae), Labcorp
Classification: Uncertain significance. Last evaluated: 2024-08-20. Review status: criteria provided, single submitter. Criteria: Invitae Variant Classification Sherloc (09022015). Collection method: clinical testing. Allele origin: germline.
Comment: This sequence change replaces aspartic acid, which is acidic and polar, with histidine, which is basic and polar, at codon 163 of the TMED7 protein (p.Asp163His). This variant is not present in population databases (gnomAD no frequency). This variant has not been reported in the literature in individuals affected with TMED7-related conditions. An algorithm developed to predict the effect of missense changes on protein structure and function (PolyPhen-2) suggests that this variant is likely to be disruptive. In summary, the available evidence is currently insufficient to determine the role of this variant in disease. Therefore, it has been classified as a Variant of Uncertain Significance.